The following is an entry in ClinVar:

NM_001330.5(CTF1):c.83G>A (p.Arg28His)

Gene: CTF1 (cardiotrophin 1; plus strand). Cytogenetic location: 16p11.2.
Variant type: single nucleotide variant.
Coding change: c.83G>A on transcript NM_001330.5 (MANE Select); coding-DNA position 83, G replaced by A.
Protein change: p.Arg28His; replaces arginine 28 with histidine.
Molecular consequence: missense variant. On other transcripts: non-coding transcript variant (1).
Genome position (GRCh38, 1-based): chr16:30,899,472, G>A. VCF-style: chr16-30899472-G-A. GRCh37 (hg19) VCF-style: chr16-30910793-G-A.
Other names: c.80G>A, p.Arg27His (NM_001142544.3); short protein forms R28H, R27H.
Identifiers: ClinVar variation 660206 (VCV000660206.9), dbSNP rs201703547, ClinGen allele CA8015471.

ClinVar aggregate classification (germline): Conflicting classifications of pathogenicity. Review status: criteria provided, conflicting classifications (1 of 4 stars). 2 submissions from 2 submitters: Uncertain significance (1); Likely benign (1). Last evaluated 2025-12-01.

Allele frequency attached by ClinVar (database versions not stated): gnomAD 0.00002; TOPMed 0.00002; gnomAD exomes 0.00012 and 0.00008; ExAC 0.00016.
gnomAD v4.1: 115 of 1,605,450 alleles (0.0072%); highest among the groups gnomAD compares: Middle Eastern, 0.017%; no homozygotes.

Submissions (2):

Labcorp Genetics (formerly Invitae), Labcorp
Classification: Uncertain significance. Last evaluated: 2025-12-01. Review status: criteria provided, single submitter. Criteria: Invitae Variant Classification Sherloc (09022015). Collection method: clinical testing. Allele origin: germline.
Comment: This sequence change replaces arginine, which is basic and polar, with histidine, which is basic and polar, at codon 28 of the CTF1 protein (p.Arg28His). This variant is present in population databases (rs201703547, gnomAD 0.02%). This variant has not been reported in the literature in individuals affected with CTF1-related conditions. ClinVar contains an entry for this variant (Variation ID: 660206). An algorithm developed to predict the effect of missense changes on protein structure and function outputs the following: PolyPhen-2: "Benign". The histidine amino acid residue is found in multiple mammalian species, which suggests that this missense change does not adversely affect protein function. In summary, the available evidence is currently insufficient to determine the role of this variant in disease. Therefore, it has been classified as a Variant of Uncertain Significance.

Women's Health and Genetics/Laboratory Corporation of America, LabCorp
Classification: Likely benign. Last evaluated: 2020-02-24. Review status: criteria provided, single submitter. Criteria: LabCorp Variant Classification Summary - May 2015. Collection method: clinical testing. Allele origin: germline.
Comment: Variant summary: CTF1 c.83G>A (p.Arg28His) results in a non-conservative amino acid change in the encoded protein sequence. Three of five in-silico tools predict a benign effect of the variant on protein function. The variant allele was found at a frequency of 0.00012 in 251206 control chromosomes, predominantly at a frequency of 0.00023 within the Non-Finnish European subpopulation in the gnomAD database. The observed variant frequency within Non-Finnish European control individuals in the gnomAD database is approximately 9.2-fold the estimated maximal expected allele frequency for a pathogenic variant in CTF1 causing Cardiomyopathy phenotype (2.5e-05), suggesting that the variant is a benign polymorphism found primarily in populations of Non-Finnish European origin. To our knowledge,there are no reports of c.83G>A in individuals affected with Cardiomyopathy and no experimental evidence demonstrating an impact on protein function reported in the literature. One clinical diagnostic laboratory has submitted clinical-significance assessments for this variant to ClinVar after 2014 without evidence for independent evaluation and cited the variant as uncertain significance. Based on the evidence outlined above, the variant was classified as likely benign.

Literature cited by the submitters: PubMed 27149842 (cited by Women's Health and Genetics/Laboratory Corporation of America, LabCorp).